The following is an entry in ClinVar:

ClinVar aggregate classification (germline): Conflicting classifications of pathogenicity. Review status: criteria provided, conflicting classifications (1 of 4 stars). 6 submissions from 6 submitters: Uncertain significance (1); Likely benign (4). 1 of the submissions does not count toward it. Last evaluated 2024-07-13.

Conditions:
Hereditary cancer-predisposing syndrome. Also called: Neoplastic Syndromes, Hereditary; Hereditary Cancer Syndrome; Tumor predisposition; Hereditary neoplastic syndrome. Identifiers: Orphanet 140162, MedGen C0027672, MeSH D009386, MONDO:0015356.
Carcinoma of colon (CRC). Also called: Colonic carcinoma; Colon carcinoma. Identifiers: MedGen C0699790, MONDO:0002032.
Familial cancer of breast. Also called: Hereditary breast cancer; BREAST CANCER, FAMILIAL; hereditary breast carcinoma. Identifiers: Orphanet 227535, MedGen C0346153, MONDO:0016419, OMIM 114480. Disease mechanism: loss of function.
Ataxia-telangiectasia syndrome (AT). Also called: LOUIS-BAR SYNDROME; Cerebello-oculocutaneous telangiectasia; Immunodeficiency with ataxia telangiectasia; Ataxia-telangiectasia, complementation group D; AT, COMPLEMENTATION GROUP C; Ataxia-telangiectasia, complementation group E. Identifiers: Orphanet 100, MedGen C0004135, MONDO:0008840, OMIM 208900.

Allele frequency attached by ClinVar (database versions not stated): ExAC 0.00001; gnomAD exomes below 0.00001.
gnomAD v4.1: 2 of 1,613,884 alleles (0.00012%); highest among the groups gnomAD compares: East Asian, 0.0045%; no homozygotes.

Submissions (6):

Labcorp Genetics (formerly Invitae), Labcorp
Classification: Likely benign for Ataxia-telangiectasia syndrome. Last evaluated: 2024-07-13. Review status: criteria provided, single submitter. Criteria: Invitae Variant Classification Sherloc (09022015). Collection method: clinical testing. Allele origin: germline.

Myriad Genetics, Inc.
Classification: Likely benign for Familial cancer of breast. Last evaluated: 2024-06-06. Review status: criteria provided, single submitter. Criteria: Myriad Autosomal Dominant, Autosomal Recessive and X-Linked Classification Criteria (2023). Collection method: clinical testing. Allele origin: unknown.
Comment: This variant is considered likely benign. This variant is intronic and is not expected to impact mRNA splicing.

Ambry Genetics
Classification: Uncertain significance for Hereditary cancer-predisposing syndrome. Last evaluated: 2023-05-22. Review status: criteria provided, single submitter. Criteria: Ambry Variant Classification Scheme 2023. Collection method: clinical testing. Allele origin: germline.
Comment: The c.6453-5A>G intronic variant results from an A to G substitution 5 nucleotides upstream from coding exon 44 in the ATM gene. This nucleotide position is not well conserved in available vertebrate species. In silico splice site analysis for this alteration is inconclusive. Since supporting evidence is limited at this time, the clinical significance of this alteration remains unclear.

GeneDx
Classification: Likely benign. Last evaluated: 2019-12-06. Review status: criteria provided, single submitter. Criteria: GeneDx Variant Classification Process June 2021. Collection method: clinical testing. Allele origin: germline. Affected: yes.

Color Diagnostics, LLC DBA Color Health
Classification: Likely benign for Hereditary cancer-predisposing syndrome. Last evaluated: 2017-11-06. Review status: criteria provided, single submitter. Criteria: ACMG Guidelines, 2015. Collection method: clinical testing. Allele origin: germline.

Department of Pathology and Laboratory Medicine, Sinai Health System
Classification: Uncertain significance for Carcinoma of colon. Review status: no assertion criteria provided. Collection method: clinical testing. Allele origin: unknown. Affected: yes. Study: The Canadian Open Genetics Repository (COGR). Not counted in ClinVar's aggregate classification.
Comment: The ATM c.6453-5A>G variant was not identified in the literature nor was it identified in the Cosmic, MutDB or LOVD 3.0 databases. The variant was identified in dbSNP (ID: rs755177899) as â€šÃ„ÃºWith Likely benign alleleâ€šÃ„Ã¹ and ClinVar (1x as likely benign, by GeneDx) databases. The variant was identified in control databases in 1 of 246124 chromosomes at a frequency of 0.000004 (Genome Aggregation Database Feb 27, 2017). The variant was observed in the following populations: East Asian in 1 of 17234 chromosomes (freq: 0.00006), while the variant was not observed in the African, Other, Latino, European Non-Finnish, Ashkenazi Jewish, European Finnish or South Asian populations. The c.6453-5A>G variant is located in the 3' splice region but does not affect the invariant -1 and -2 positions. However, positions -3 and -5 to -12 are part of the splicing consensus sequence and variants involving these positions sometimes affect splicing. In addition, in silico or computational prediction software programs (SpliceSiteFinder, MaxEntScan, NNSPLICE, GeneSplicer) do not predict a difference in splicing. In summary, based on the above information the clinical significance of this variant cannot be determined with certainty at this time. This variant is classified as a variant of uncertain significance.

NM_000051.4(ATM):c.6453-5A>G

Genes: ATM (ATM serine/threonine kinase; plus strand), C11orf65 (chromosome 11 open reading frame 65; minus strand). Cytogenetic location: 11q22.3.
Variant type: single nucleotide variant.
Coding change: c.6453-5A>G on transcript NM_000051.4 (MANE Select); 5 bases into the intron before coding-DNA position 6453, A replaced by G.
Molecular consequence: intron variant.
Genome position (GRCh38, 1-based): chr11:108,321,296, A>G. VCF-style: chr11-108321296-A-G. GRCh37 (hg19) VCF-style: chr11-108192023-A-G.
Other names: c.6453-5A>G (NM_001351834.2); c.641-12225T>C (NM_001330368.2); c.*39-12225T>C (NM_001351110.2).
Identifiers: ClinVar variation 392738 (VCV000392738.16), dbSNP rs755177899, ClinGen allele CA6265951.